The following is an entry in ClinVar:

NM_001384474.1(LOXHD1):c.1231C>T (p.Leu411Phe)

Gene: LOXHD1 (lipoxygenase homology PLAT domains 1; minus strand). Cytogenetic location: 18q21.1.
Variant type: single nucleotide variant.
Coding change: c.1231C>T on transcript NM_001384474.1 (MANE Select); coding-DNA position 1231, C replaced by T.
Protein change: p.Leu411Phe; replaces leucine 411 with phenylalanine.
Molecular consequence: missense variant.
Genome position (GRCh38, 1-based): chr18:46,594,370, G>A on the plus strand (C>T on the coding strand, the complement: LOXHD1 is on the minus strand). VCF-style: chr18-46594370-G-A. GRCh37 (hg19) VCF-style: chr18-44174333-G-A.
Other names: c.1231C>T, p.Leu411Phe (NM_144612.7); short protein forms L411F.
Identifiers: ClinVar variation 1449480 (VCV001449480.5), dbSNP rs750094027, ClinGen allele CA402381004.
Genomic context (GRCh38, chr18:46,594,370, plus strand): 5'-TTCTGGGTCTCTCTCACTTACTTTTCAGCCGCTTCTTCCTGAGAGACACCATCTCATAGA[G>A]CTGCCTCTCAATCAACCCATCCGCTTTCTTCTCATCCAGCCAGTTGCTACAAGGGAAGGT-3'
Protein context (NP_001371403.1, residues 401-421): KKADGLIERQ[Leu411Phe]YEMVSLRKKR

ClinVar aggregate classification (germline): Uncertain significance (1 of 4 stars; one submission).

Allele frequency attached by ClinVar (database versions not stated): TOPMed 0.00002; gnomAD 0.00003 and 0.00004.
gnomAD v4.1: 21 of 1,551,514 alleles (0.0014%); highest among the groups gnomAD compares: Admixed American, 0.002%; no homozygotes.

Submission:

Labcorp Genetics (formerly Invitae), Labcorp
Classification: Uncertain significance. Last evaluated: 2021-10-14. Review status: criteria provided, single submitter. Criteria: Invitae Variant Classification Sherloc (09022015). Collection method: clinical testing. Allele origin: germline.
Comment: This sequence change replaces leucine with phenylalanine at codon 411 of the LOXHD1 protein (p.Leu411Phe). The leucine residue is moderately conserved and there is a small physicochemical difference between leucine and phenylalanine. This variant is not present in population databases (ExAC no frequency). This variant has not been reported in the literature in individuals affected with LOXHD1-related conditions. Algorithms developed to predict the effect of missense changes on protein structure and function are either unavailable or do not agree on the potential impact of this missense change (SIFT: "Deleterious"; PolyPhen-2: "Benign"; Align-GVGD: "Class C0"). In summary, the available evidence is currently insufficient to determine the role of this variant in disease. Therefore, it has been classified as a Variant of Uncertain Significance.